The following is an entry in ClinVar:

NM_004304.5(ALK):c.2879G>T (p.Ser960Ile)

Gene: ALK (ALK receptor tyrosine kinase; minus strand). Cytogenetic location: 2p23.2.
Variant type: single nucleotide variant.
Coding change: c.2879G>T on transcript NM_004304.5 (MANE Select); coding-DNA position 2879, G replaced by T.
Protein change: p.Ser960Ile; replaces serine 960 with isoleucine.
Molecular consequence: missense variant.
Genome position (GRCh38, 1-based): chr2:29,227,609, C>A on the plus strand (G>T on the coding strand, the complement: ALK is on the minus strand). VCF-style: chr2-29227609-C-A. GRCh37 (hg19) VCF-style: chr2-29450475-C-A.
Other names: short protein forms S960I.
Identifiers: ClinVar variation 2165725 (VCV002165725.4), dbSNP rs986532632, ClinGen allele CA44634646.

ClinVar aggregate classification (germline): Uncertain significance (1 of 4 stars; one submission).

Conditions:
Neuroblastoma, susceptibility to, 3. Also called: ALK-Related Neuroblastic Tumor Susceptibility. Identifiers: Orphanet 635, MedGen C2751681, MONDO:0013083, OMIM 613014.

Allele frequency attached by ClinVar (database versions not stated): TOPMed 0.00002.

Submission:

Labcorp Genetics (formerly Invitae), Labcorp
Classification: Uncertain significance for Neuroblastoma, susceptibility to, 3. Last evaluated: 2024-10-19. Review status: criteria provided, single submitter. Criteria: Invitae Variant Classification Sherloc (09022015). Collection method: clinical testing. Allele origin: germline.
Comment: This sequence change replaces serine, which is neutral and polar, with isoleucine, which is neutral and non-polar, at codon 960 of the ALK protein (p.Ser960Ile). This variant is not present in population databases (gnomAD no frequency). This variant has not been reported in the literature in individuals affected with ALK-related conditions. ClinVar contains an entry for this variant (Variation ID: 2165725). An algorithm developed to predict the effect of missense changes on protein structure and function (PolyPhen-2) suggests that this variant is likely to be disruptive. In summary, the available evidence is currently insufficient to determine the role of this variant in disease. Therefore, it has been classified as a Variant of Uncertain Significance.